The following is an entry in ClinVar:

ClinVar aggregate classification (germline): Uncertain significance (1 of 4 stars; one submission).

Submission:

Labcorp Genetics (formerly Invitae), Labcorp
Classification: Uncertain significance. Last evaluated: 2023-07-30. Review status: criteria provided, single submitter. Criteria: Invitae Variant Classification Sherloc (09022015). Collection method: clinical testing. Allele origin: germline.
Comment: This sequence change replaces glutamic acid, which is acidic and polar, with lysine, which is basic and polar, at codon 709 of the C5 protein (p.Glu709Lys). This variant is not present in population databases (gnomAD no frequency). This variant has not been reported in the literature in individuals affected with C5-related conditions. ClinVar contains an entry for this variant (Variation ID: 1945748). Advanced modeling of protein sequence and biophysical properties (such as structural, functional, and spatial information, amino acid conservation, physicochemical variation, residue mobility, and thermodynamic stability) performed at Invitae indicates that this missense variant is not expected to disrupt C5 protein function. Algorithms developed to predict the effect of sequence changes on RNA splicing suggest that this variant may disrupt the consensus splice site. In summary, the available evidence is currently insufficient to determine the role of this variant in disease. Therefore, it has been classified as a Variant of Uncertain Significance.

NM_001735.3(C5):c.2125G>A (p.Glu709Lys)

Gene: C5 (complement C5; minus strand). Cytogenetic location: 9q33.2.
Variant type: single nucleotide variant.
Coding change: c.2125G>A on transcript NM_001735.3 (MANE Select); coding-DNA position 2125, G replaced by A.
Protein change: p.Glu709Lys; replaces glutamic acid 709 with lysine.
Molecular consequence: missense variant.
Genome position (GRCh38, 1-based): chr9:121,014,005, C>T on the plus strand (G>A on the coding strand, the complement: C5 is on the minus strand). VCF-style: chr9-121014005-C-T. GRCh37 (hg19) VCF-style: chr9-123776283-C-T.
Other names: c.2125G>A, p.Glu709Lys (NM_001317164.2); c.2143G>A, p.Glu715Lys (NM_001317163.2); short protein forms E709K, E715K.
Identifiers: ClinVar variation 1945748 (VCV001945748.5), dbSNP rs1011292991, ClinGen allele CA199379270.